The following is an entry in ClinVar:

NM_003924.4(PHOX2B):c.589G>T (p.Gly197Cys)

Gene: PHOX2B (paired like homeobox 2B; minus strand). Cytogenetic location: 4p13.
Variant type: single nucleotide variant.
Coding change: c.589G>T on transcript NM_003924.4 (MANE Select); coding-DNA position 589, G replaced by T.
Protein change: p.Gly197Cys; replaces glycine 197 with cysteine.
Molecular consequence: missense variant.
Genome position (GRCh38, 1-based): chr4:41,746,163, C>A on the plus strand (G>T on the coding strand, the complement: PHOX2B is on the minus strand). VCF-style: chr4-41746163-C-A. GRCh37 (hg19) VCF-style: chr4-41748180-C-A.
Other names: short protein forms G197C.
Identifiers: ClinVar variation 4665738 (VCV004665738.1).

ClinVar aggregate classification (germline): Uncertain significance (1 of 4 stars; one submission).

Conditions:
Hereditary cancer-predisposing syndrome. Also called: Neoplastic Syndromes, Hereditary; Tumor predisposition; Hereditary Cancer Syndrome; Hereditary neoplastic syndrome. Identifiers: Orphanet 140162, MedGen C0027672, MeSH D009386, MONDO:0015356.

Submission:

Ambry Genetics
Classification: Uncertain significance for Hereditary cancer-predisposing syndrome. Last evaluated: 2025-11-23. Review status: criteria provided, single submitter. Criteria: Ambry Variant Classification Scheme 2023. Collection method: clinical testing. Allele origin: germline.
Comment: The p.G197C variant (also known as c.589G>T), located in coding exon 3 of the PHOX2B gene, results from a G to T substitution at nucleotide position 589. The glycine at codon 197 is replaced by cysteine, an amino acid with highly dissimilar properties. This amino acid position is conserved. In addition, this alteration is predicted to be deleterious by in silico analysis. Based on the available evidence, the clinical significance of this variant remains unclear.